The following is an entry in ClinVar:

ClinVar aggregate classification (germline): Uncertain significance (1 of 4 stars; one submission).

Conditions:
Inborn genetic diseases. Identifiers: MedGen C0950123, MeSH D030342.

Submission:

Ambry Genetics
Classification: Uncertain significance for Inborn genetic diseases. Last evaluated: 2025-09-29. Review status: criteria provided, single submitter. Criteria: Ambry Variant Classification Scheme 2023. Collection method: clinical testing. Allele origin: germline.
Comment: The p.P201L variant (also known as c.602C>T), located in coding exon 7 of the FANCA gene, results from a C to T substitution at nucleotide position 602. The proline at codon 201 is replaced by leucine, an amino acid with similar properties. This amino acid position is conserved. In addition, this alteration is predicted to be tolerated by in silico analysis. Based on the available evidence, the clinical significance of this variant remains unclear.

NM_000135.4(FANCA):c.602C>T (p.Pro201Leu)

Gene: FANCA (FA complementation group A; minus strand). Cytogenetic location: 16q24.3.
Variant type: single nucleotide variant.
Coding change: c.602C>T on transcript NM_000135.4 (MANE Select); coding-DNA position 602, C replaced by T.
Protein change: p.Pro201Leu; replaces proline 201 with leucine.
Molecular consequence: missense variant.
Genome position (GRCh38, 1-based): chr16:89,805,387, G>A on the plus strand (C>T on the coding strand, the complement: FANCA is on the minus strand). VCF-style: chr16-89805387-G-A. GRCh37 (hg19) VCF-style: chr16-89871795-G-A.
Other names: c.602C>T, p.Pro201Leu (NM_001018112.3, NM_001286167.3); c.506C>T, p.Pro169Leu (NM_001351830.2); short protein forms P201L, P169L.
Identifiers: ClinVar variation 4619179 (VCV004619179.1).
Genomic context (GRCh38, chr16:89,805,387, plus strand): 5'-ATCTGTTCACAAAGGCAGCACAGATTCCTGAAGAGCCACGATCCCACAGCATGCATGTCG[G>A]GATGGCTGGAGACACACACAGAGGCAGACGTAAGGCTCAACTAAATCCCATCATCAGGGG-3'
Protein context (NP_000126.2, residues 191-211): VSLQELLESH[Pro201Leu]DMHAVGSWLF